The following is an entry in ClinVar:

ClinVar aggregate classification (germline): Uncertain significance. Review status: criteria provided, multiple submitters, no conflicts (2 of 4 stars). 2 submissions from 2 submitters: Uncertain significance (2). Last evaluated 2024-03-20.

Conditions:
Retinitis pigmentosa 3. Also called: CHOROIDORETINAL DEGENERATION WITH RETINAL REFLEX IN HETEROZYGOUS WOMEN. Identifiers: Orphanet 791, MedGen C1845667, MONDO:0010227, OMIM 300029.
Primary ciliary dyskinesia. Also called: Ciliary dyskinesia. Identifiers: Orphanet 244, MedGen C0008780, MONDO:0016575, HP:0012265.

Allele frequency attached by ClinVar (database versions not stated): gnomAD exomes below 0.00001.
gnomAD v4.1: 1 of 1,052,123 alleles (0.000095%); highest among the groups gnomAD compares: Non-Finnish European, 0.00013%; no homozygotes.

Submissions (2):

3billion
Classification: Uncertain significance for Retinitis pigmentosa 3. Last evaluated: 2024-03-20. Review status: criteria provided, single submitter. Criteria: ACMG Guidelines, 2015. Collection method: clinical testing. Allele origin: germline. Affected: yes.
Comment: The variant is not observed in the gnomAD v2.1.1 dataset. Predicted Consequence/Location: Intron variant In silico tools predict the variant to alter splicing and produce an abnormal transcript [SpliceAI: 0.53 (>=0.2, moderate evidence for spliceogenicity)]. Therefore, this variant is classified as VUS according to the recommendation of ACMG/AMP guideline.

Labcorp Genetics (formerly Invitae), Labcorp
Classification: Uncertain significance for Primary ciliary dyskinesia. Last evaluated: 2023-06-09. Review status: criteria provided, single submitter. Criteria: Invitae Variant Classification Sherloc (09022015). Collection method: clinical testing. Allele origin: germline.
Comment: In summary, the available evidence is currently insufficient to determine the role of this variant in disease. Therefore, it has been classified as a Variant of Uncertain Significance. Variants that disrupt the consensus splice site are a relatively common cause of aberrant splicing (PMID: 17576681, 9536098). Algorithms developed to predict the effect of sequence changes on RNA splicing suggest that this variant may disrupt the consensus splice site. This variant has not been reported in the literature in individuals affected with RPGR-related conditions. This variant is not present in population databases (gnomAD no frequency). This sequence change falls in intron 11 of the RPGR gene. It does not directly change the encoded amino acid sequence of the RPGR protein. It affects a nucleotide within the consensus splice site.

Literature cited by the submitters: PubMed 17576681 (cited by Labcorp Genetics (formerly Invitae), Labcorp); PubMed 9536098 (cited by Labcorp Genetics (formerly Invitae), Labcorp).

NM_001034853.2(RPGR):c.1415-3C>G

Gene: RPGR (retinitis pigmentosa GTPase regulator; minus strand). Cytogenetic location: Xp11.4.
Variant type: single nucleotide variant.
Coding change: c.1415-3C>G on transcript NM_001034853.2 (MANE Select); 3 bases into the intron before coding-DNA position 1415, C replaced by G.
Molecular consequence: intron variant.
Genome position (GRCh38, 1-based): chrX:38,291,487, G>C on the plus strand (C>G on the coding strand, the complement: RPGR is on the minus strand). VCF-style: chrX-38291487-G-C. GRCh37 (hg19) VCF-style: chrX-38150740-G-C.
Other names: c.1412-3C>G (NM_001367249.1, NM_001367250.1, NM_001367245.1); c.1229-3C>G (NM_001367251.1, NM_001367246.1); c.1415-3C>G (NM_001367247.1, NM_000328.3); c.1445-3C>G (NM_001367248.1).
Identifiers: ClinVar variation 2707200 (VCV002707200.4), dbSNP rs2519808771, ClinGen allele CA2693440679.